The following is an entry in ClinVar:

ClinVar aggregate classification (germline): Uncertain significance. Review status: criteria provided, multiple submitters, no conflicts (2 of 4 stars). 2 submissions from 2 submitters: Uncertain significance (2). Last evaluated 2023-05-31.

Conditions:
Early Myoclonic Encephalopathy. Identifiers: MedGen C0270855.

Allele frequency attached by ClinVar (database versions not stated): gnomAD exomes 0.00003 and 0.00002; TOPMed 0.00003; gnomAD 0.00001; ExAC 0.00002.
gnomAD v4.1: 13 of 1,613,902 alleles (0.00081%); highest among the groups gnomAD compares: Admixed American, 0.02%; no homozygotes.

Submissions (2):

Ambry Genetics
Classification: Uncertain significance. Last evaluated: 2023-05-31. Review status: criteria provided, single submitter. Criteria: Ambry Variant Classification Scheme 2023. Collection method: clinical testing. Allele origin: germline.

Labcorp Genetics (formerly Invitae), Labcorp
Classification: Uncertain significance for Early Myoclonic Encephalopathy. Last evaluated: 2023-05-29. Review status: criteria provided, single submitter. Criteria: Invitae Variant Classification Sherloc (09022015). Collection method: clinical testing. Allele origin: germline.
Comment: This variant has not been reported in the literature in individuals affected with JMJD1C-related conditions. ClinVar contains an entry for this variant (Variation ID: 1061805). Advanced modeling of protein sequence and biophysical properties (such as structural, functional, and spatial information, amino acid conservation, physicochemical variation, residue mobility, and thermodynamic stability) performed at Invitae indicates that this missense variant is not expected to disrupt JMJD1C protein function. In summary, the available evidence is currently insufficient to determine the role of this variant in disease. Therefore, it has been classified as a Variant of Uncertain Significance. This variant is present in population databases (rs779543350, gnomAD 0.02%). This sequence change replaces histidine, which is basic and polar, with glutamine, which is neutral and polar, at codon 933 of the JMJD1C protein (p.His933Gln).

NM_032776.3(JMJD1C):c.2799T>G (p.His933Gln)

Gene: JMJD1C (jumonji domain containing 1C; minus strand). Cytogenetic location: 10q21.3.
Variant type: single nucleotide variant.
Coding change: c.2799T>G on transcript NM_032776.3 (MANE Select); coding-DNA position 2799, T replaced by G.
Protein change: p.His933Gln; replaces histidine 933 with glutamine.
Molecular consequence: missense variant. On other transcripts: non-coding transcript variant (1).
Genome position (GRCh38, 1-based): chr10:63,209,131, A>C on the plus strand (T>G on the coding strand, the complement: JMJD1C is on the minus strand). VCF-style: chr10-63209131-A-C. GRCh37 (hg19) VCF-style: chr10-64968891-A-C.
Other names: c.2799T>G (NM_032776.1); c.2253T>G, p.His751Gln (NM_001282948.2, NM_001318154.2); c.1935T>G, p.His645Gln (NM_001318153.2); c.2685T>G, p.His895Gln (NM_001322252.2); c.2142T>G, p.His714Gln (NM_001322254.2, NM_001322258.2); short protein forms H645Q, H714Q, H751Q, H895Q, H933Q.
Identifiers: ClinVar variation 1061805 (VCV001061805.10), dbSNP rs779543350, ClinGen allele CA5518561.
Genomic context (GRCh38, chr10:63,209,131, plus strand): 5'-ATGATCTACTAAAGTTTTTGTCAATGGTGGACTGGAATGGGCTGTAATTTTAAGAGGCCG[A>C]TGAGGCTCTGCACTGGAAGGTCTGACAGGAATGTGACTAAGTAATCCAATACCATCTGCT-3'
Protein context (NP_116165.1, residues 923-943): IPVRPSSAEP[His933Gln]RPLKITAHSS